The following is an entry in ClinVar:

NM_001429.4(EP300):c.772A>G (p.Thr258Ala)

Gene: EP300 (EP300 lysine acetyltransferase; plus strand). Cytogenetic location: 22q13.2.
Variant type: single nucleotide variant.
Coding change: c.772A>G on transcript NM_001429.4 (MANE Select); coding-DNA position 772, A replaced by G.
Protein change: p.Thr258Ala; replaces threonine 258 with alanine.
Molecular consequence: missense variant.
Genome position (GRCh38, 1-based): chr22:41,125,906, A>G. VCF-style: chr22-41125906-A-G. GRCh37 (hg19) VCF-style: chr22-41521910-A-G.
Other names: c.772A>G, p.Thr258Ala (NM_001362843.2); short protein forms T258A.
Identifiers: ClinVar variation 2393470 (VCV002393470.9), dbSNP rs201804130, ClinGen allele CA10252353.
Genomic context (GRCh38, chr22:41,125,906, plus strand): 5'-TTTGTTTCTTACTCTTAGATGGGAATGATGAACAACCCCAATCCTTATGGTTCACCATAT[A>G]CTCAGAATCCTGGACAGCAGATTGGAGCCAGTGGCCTTGGTCTCCAGATTCAGACAAAAA-3'
Protein context (NP_001420.2, residues 248-268): NNPNPYGSPY[Thr258Ala]QNPGQQIGAS

ClinVar aggregate classification (germline): Conflicting classifications of pathogenicity. Review status: criteria provided, conflicting classifications (1 of 4 stars). 5 submissions from 5 submitters: Uncertain significance (1); Likely benign (3). 1 of the submissions does not count toward it. Last evaluated 2025-05-05.

Conditions:
Rubinstein-Taybi syndrome due to CREBBP mutations (RSTS1). Also called: BROAD THUMB-HALLUX SYNDROME; Rubinstein-Taybi syndrome 1; CREBBP-Related Rubinstein-Taybi Syndrome; RUBINSTEIN-TAYBI SYNDROME 1, INCOMPLETE; RUBINSTEIN SYNDROME; BROAD THUMBS AND GREAT TOES, CHARACTERISTIC FACIES, AND IMPAIRED INTELLECTUAL DEVELOPMENT. Identifiers: Orphanet 353277, Orphanet 783, MedGen C4551859, MONDO:0008393, OMIM 180849.
Menke-Hennekam syndrome 2 (MKHK2). Identifiers: MedGen C5193035, MONDO:0020769, OMIM 618333.
Colorectal cancer. Also called: Colorectal cancer, somatic; Malignant Colorectal Neoplasm. Identifiers: MedGen C0346629, MONDO:0005575, OMIM 114500.
Rubinstein-Taybi syndrome due to EP300 haploinsufficiency. Also called: EP300-Related Rubinstein-Taybi Syndrome; RUBINSTEIN-TAYBI SYNDROME 2. Identifiers: Orphanet 353284, Orphanet 783, MedGen C3150941, MONDO:0013364, OMIM 613684.
Inborn genetic diseases. Identifiers: MedGen C0950123, MeSH D030342.
EP300-related disorder. Also called: EP300-related condition; EP300-related disorders.

Allele frequency attached by ClinVar (database versions not stated): ESP Exome Variant Server 0.00008; gnomAD exomes 0.00008; TOPMed 0.00008; ExAC 0.00010; gnomAD 0.00011.

Submissions (5):

Labcorp Genetics (formerly Invitae), Labcorp
Classification: Likely benign for Rubinstein-Taybi syndrome due to EP300 haploinsufficiency. Last evaluated: 2025-05-05. Review status: criteria provided, single submitter. Criteria: Invitae Variant Classification Sherloc (09022015). Collection method: clinical testing. Allele origin: germline.

Blueprint Genetics
Classification: Likely benign. Last evaluated: 2024-09-24. Review status: criteria provided, single submitter. Criteria: ACMG Guidelines, 2015. Collection method: clinical testing. Allele origin: germline.

Department of Pathology and Laboratory Medicine, Sinai Health System
Classification: Uncertain significance for Colorectal cancer; Rubinstein-Taybi syndrome due to CREBBP mutations; Rubinstein-Taybi syndrome due to EP300 haploinsufficiency; Menke-Hennekam syndrome 2. Last evaluated: 2023-03-20. Review status: criteria provided, single submitter. Criteria: ACMG Guidelines, 2015. Collection method: research. Allele origin: germline.

Ambry Genetics
Classification: Likely benign for Inborn genetic diseases. Last evaluated: 2021-08-10. Review status: criteria provided, single submitter. Criteria: Ambry Variant Classification Scheme 2023. Collection method: clinical testing. Allele origin: germline.

PreventionGenetics, part of Exact Sciences
Classification: Likely benign for EP300-related condition. Last evaluated: 2021-08-05. Review status: no assertion criteria provided. Collection method: clinical testing. Allele origin: germline. Not counted in ClinVar's aggregate classification.
Comment: This variant is classified as likely benign based on ACMG/AMP sequence variant interpretation guidelines (Richards et al. 2015 PMID: 25741868, with internal and published modifications).